The following is an entry in ClinVar:

NM_014639.4(SKIC3):c.2303G>A (p.Arg768His)

Gene: SKIC3 (SKI3 subunit of superkiller complex; minus strand). Cytogenetic location: 5q15.
Variant type: single nucleotide variant.
Coding change: c.2303G>A on transcript NM_014639.4 (MANE Select); coding-DNA position 2303, G replaced by A.
Protein change: p.Arg768His; replaces arginine 768 with histidine.
Molecular consequence: missense variant.
Genome position (GRCh38, 1-based): chr5:95,517,049, C>T on the plus strand (G>A on the coding strand, the complement: SKIC3 is on the minus strand). VCF-style: chr5-95517049-C-T. GRCh37 (hg19) VCF-style: chr5-94852753-C-T.
Other names: short protein forms R768H.
Identifiers: ClinVar variation 2057307 (VCV002057307.3), dbSNP rs148102585, ClinGen allele CA3347116.

ClinVar aggregate classification (germline): Uncertain significance. Review status: criteria provided, multiple submitters, no conflicts (2 of 4 stars). 2 submissions from 2 submitters: Uncertain significance (2). Last evaluated 2025-01-05.

Conditions:
Inborn genetic diseases. Identifiers: MedGen C0950123, MeSH D030342.

Allele frequency attached by ClinVar (database versions not stated): ExAC 0.00015; gnomAD 0.00015; TOPMed 0.00019; ESP Exome Variant Server 0.00023.
gnomAD v4.1: 141 of 1,613,578 alleles (0.0087%); highest among the groups gnomAD compares: African/African-American, 0.056%; no homozygotes.

Submissions (2):

Labcorp Genetics (formerly Invitae), Labcorp
Classification: Uncertain significance. Last evaluated: 2025-01-05. Review status: criteria provided, single submitter. Criteria: Invitae Variant Classification Sherloc (09022015). Collection method: clinical testing. Allele origin: germline.
Comment: This sequence change replaces arginine, which is basic and polar, with histidine, which is basic and polar, at codon 768 of the TTC37 protein (p.Arg768His). This variant is present in population databases (rs148102585, gnomAD 0.05%). This variant has not been reported in the literature in individuals affected with TTC37-related conditions. ClinVar contains an entry for this variant (Variation ID: 2057307). An algorithm developed to predict the effect of missense changes on protein structure and function (PolyPhen-2) suggests that this variant¬†is likely to be tolerated. In summary, the available evidence is currently insufficient to determine the role of this variant in disease. Therefore, it has been classified as a Variant of Uncertain Significance.

Ambry Genetics
Classification: Uncertain significance for Inborn genetic diseases. Last evaluated: 2024-01-31. Review status: criteria provided, single submitter. Criteria: Ambry Variant Classification Scheme 2023. Collection method: clinical testing. Allele origin: germline.